The following is an entry in ClinVar:

NM_004415.4(DSP):c.6824A>C (p.Tyr2275Ser)

Gene: DSP (desmoplakin; plus strand). Cytogenetic location: 6p24.3.
Variant type: single nucleotide variant.
Coding change: c.6824A>C on transcript NM_004415.4 (MANE Select); coding-DNA position 6824, A replaced by C.
Protein change: p.Tyr2275Ser; replaces tyrosine 2275 with serine.
Molecular consequence: missense variant.
Genome position (GRCh38, 1-based): chr6:7,584,086, A>C. VCF-style: chr6-7584086-A-C. GRCh37 (hg19) VCF-style: chr6-7584319-A-C.
Other names: c.5027A>C, p.Tyr1676Ser (NM_001008844.3); c.5495A>C, p.Tyr1832Ser (NM_001319034.2); short protein forms Y1676S, Y1832S, Y2275S.
Identifiers: ClinVar variation 3749207 (VCV003749207.2).

ClinVar aggregate classification (germline): Uncertain significance (1 of 4 stars; one submission).

Conditions:
Arrhythmogenic cardiomyopathy with wooly hair and keratoderma. Also called: PALMOPLANTAR KERATODERMA WITH LEFT VENTRICULAR CARDIOMYOPATHY AND WOOLLY HAIR; Dilated cardiomyopathy with woolly hair and keratoderma; Carvajal syndrome; Arrhythmogenic cardiomyopathy with woolly hair and keratoderma. Identifiers: Orphanet 65282, MedGen C1854063, MONDO:0011581, OMIM 605676.
Arrhythmogenic right ventricular dysplasia 8 (ARVD8). Also called: Arrhythmogenic Right Ventricular Dysplasia/Cardiomyopathy 8; ARRHYTHMOGENIC RIGHT VENTRICULAR DYSPLASIA, FAMILIAL, 8; ARRHYTHMOGENIC RIGHT VENTRICULAR CARDIOMYOPATHY 8. Identifiers: MedGen C1843896, MONDO:0011831, OMIM 607450.

Submission:

Labcorp Genetics (formerly Invitae), Labcorp
Classification: Uncertain significance for Arrhythmogenic cardiomyopathy with wooly hair and keratoderma; Arrhythmogenic right ventricular dysplasia 8. Last evaluated: 2024-06-13. Review status: criteria provided, single submitter. Criteria: Invitae Variant Classification Sherloc (09022015). Collection method: clinical testing. Allele origin: germline.
Comment: This sequence change replaces tyrosine, which is neutral and polar, with serine, which is neutral and polar, at codon 2275 of the DSP protein (p.Tyr2275Ser). This variant is not present in population databases (gnomAD no frequency). This variant has not been reported in the literature in individuals affected with DSP-related conditions. An algorithm developed to predict the effect of missense changes on protein structure and function (PolyPhen-2) suggests that this variant is likely to be disruptive. In summary, the available evidence is currently insufficient to determine the role of this variant in disease. Therefore, it has been classified as a Variant of Uncertain Significance.